The following is an entry in ClinVar:

ClinVar aggregate classification (germline): Pathogenic/Likely pathogenic. Review status: criteria provided, multiple submitters, no conflicts (2 of 4 stars). 3 submissions from 3 submitters: Pathogenic (1); Likely pathogenic (1). 1 of the submissions does not count toward it. Last evaluated 2024-02-24.

Conditions:
Walker-Warburg congenital muscular dystrophy. Also called: Muscular dystrophy-dystroglycanopathy, type A; Walker-Warburg syndrome. Identifiers: Orphanet 899, MedGen C0265221, MONDO:0000171.
Muscular dystrophy-dystroglycanopathy (congenital with brain and eye anomalies), type A5. Also called: MUSCULAR DYSTROPHY-DYSTROGLYCANOPATHY (CONGENITAL WITH BRAIN AND EYE ANOMALIES), TYPE A, 5; WALKER-WARBURG SYNDROME OR MUSCLE-EYE-BRAIN DISEASE, FKRP-RELATED. Identifiers: Orphanet 588, Orphanet 899, MedGen C3150413, MONDO:0013157, OMIM 613153.
Autosomal recessive limb-girdle muscular dystrophy type 2I. Also called: MUSCULAR DYSTROPHY-DYSTROGLYCANOPATHY, LIMB-GIRDLE, FRKP-RELATED; MUSCULAR DYSTROPHY-DYSTROGLYCANOPATHY (LIMB-GIRDLE), TYPE C, 5; MUSCULAR DYSTROPHY, LIMB-GIRDLE, TYPE 2I. Identifiers: Orphanet 34515, MedGen C1846672, MONDO:0011787, OMIM 607155.

Submissions (3):

Labcorp Genetics (formerly Invitae), Labcorp
Classification: Pathogenic for Walker-Warburg congenital muscular dystrophy. Last evaluated: 2024-02-24. Review status: criteria provided, single submitter. Criteria: Invitae Variant Classification Sherloc (09022015). Collection method: clinical testing. Allele origin: germline.
Comment: This sequence change creates a premature translational stop signal (p.Arg176*) in the FKRP gene. While this is not anticipated to result in nonsense mediated decay, it is expected to disrupt the last 320 amino acid(s) of the FKRP protein. This variant is not present in population databases (gnomAD no frequency). This variant has not been reported in the literature in individuals affected with FKRP-related conditions. ClinVar contains an entry for this variant (Variation ID: 556102). This variant disrupts a region of the FKRP protein in which other variant(s) (p.Ala455Asp) have been determined to be pathogenic (PMID: 14652796, 15574464, 16368217, 18671187, 19955119, 23420653, 23894383). This suggests that this is a clinically significant region of the protein, and that variants that disrupt it are likely to be disease-causing. For these reasons, this variant has been classified as Pathogenic.

Baylor Genetics
Classification: Likely pathogenic for Muscular dystrophy-dystroglycanopathy (congenital with brain and eye anomalies), type A5. Last evaluated: 2023-07-22. Review status: criteria provided, single submitter. Criteria: ACMG Guidelines, 2015. Collection method: clinical testing. Allele origin: unknown.

Counsyl
Classification: Likely pathogenic for Autosomal recessive limb-girdle muscular dystrophy type 2I. Last evaluated: 2018-01-12. Review status: no assertion criteria provided. Collection method: clinical testing. Allele origin: unknown. Not counted in ClinVar's aggregate classification.

Literature cited by the submitters: PubMed 14652796 (cited by Labcorp Genetics (formerly Invitae), Labcorp); PubMed 15574464 (cited by Labcorp Genetics (formerly Invitae), Labcorp); PubMed 16368217 (cited by Labcorp Genetics (formerly Invitae), Labcorp); PubMed 18671187 (cited by Labcorp Genetics (formerly Invitae), Labcorp); PubMed 19955119 (cited by Labcorp Genetics (formerly Invitae), Labcorp); PubMed 23420653 (cited by Labcorp Genetics (formerly Invitae), Labcorp); PubMed 23894383 (cited by Labcorp Genetics (formerly Invitae), Labcorp).

NM_024301.5(FKRP):c.526C>T (p.Arg176Ter)

Gene: FKRP (fukutin related protein; plus strand). Cytogenetic location: 19q13.32.
Variant type: single nucleotide variant.
Coding change: c.526C>T on transcript NM_024301.5 (MANE Select); coding-DNA position 526, C replaced by T.
Protein change: p.Arg176Ter; replaces arginine 176 with a stop codon.
Molecular consequence: nonsense.
Genome position (GRCh38, 1-based): chr19:46,755,976, C>T. VCF-style: chr19-46755976-C-T. GRCh37 (hg19) VCF-style: chr19-47259233-C-T.
Other names: c.526C>T, p.Arg176Ter (NM_001039885.3); short protein forms R176*.
Identifiers: ClinVar variation 556102 (VCV000556102.9), dbSNP rs1555738502, ClinGen allele CA406495500.